The following is an entry in ClinVar:

NM_003620.4(PPM1D):c.370A>C (p.Ile124Leu)

Gene: PPM1D (protein phosphatase, Mg2+/Mn2+ dependent 1D; plus strand). Cytogenetic location: 17q23.2.
Variant type: single nucleotide variant.
Coding change: c.370A>C on transcript NM_003620.4 (MANE Select); coding-DNA position 370, A replaced by C.
Protein change: p.Ile124Leu; replaces isoleucine 124 with leucine.
Molecular consequence: missense variant.
Genome position (GRCh38, 1-based): chr17:60,600,784, A>C. VCF-style: chr17-60600784-A-C. GRCh37 (hg19) VCF-style: chr17-58678145-A-C.
Other names: short protein forms I124L.
Identifiers: ClinVar variation 5008954 (VCV005008954.1).

ClinVar aggregate classification (germline): Uncertain significance (1 of 4 stars; one submission).

Submission:

GeneDx
Classification: Uncertain significance. Last evaluated: 2026-02-26. Review status: criteria provided, single submitter. Criteria: GeneDx Variant Classification Process June 2021. Collection method: clinical testing. Allele origin: germline.
Comment: Not observed at significant frequency in large population cohorts (gnomAD); In silico analysis suggests that this missense variant does not alter protein structure/function; Has not been previously published as pathogenic or benign to our knowledge